The following is an entry in ClinVar:

NM_016239.4(MYO15A):c.1635_1636dup (p.Leu546fs)

Gene: MYO15A (myosin XVA; plus strand). Cytogenetic location: 17p11.2.
Variant type: Microsatellite.
Coding change: c.1635_1636dup on transcript NM_016239.4 (MANE Select); coding-DNA positions 1635 to 1636, 2 bases duplicated (GC; older notation c.1635_1636dupGC).
Protein change: p.Leu546fs; shifts the reading frame from leucine 546.
Molecular consequence: frameshift variant.
Genome position (GRCh38, 1-based): chr17:18,120,435-18,120,436, GC duplicated; duplicating any 2 consecutive bases within chr17:18,120,429-18,120,436 gives the same sequence; the c. name uses the placement nearest the transcript's 3' end. VCF-style (leftmost placement, unchanged base first): chr17-18120428-A-AGC. GRCh37 (hg19) VCF-style: chr17-18023742-A-AGC.
Other names: short protein forms L546fs.
Identifiers: ClinVar variation 3601307 (VCV003601307.1).

ClinVar aggregate classification (germline): Pathogenic (1 of 4 stars; one submission).

Conditions:
Autosomal recessive nonsyndromic hearing loss 3. Also called: NEUROSENSORY NONSYNDROMIC RECESSIVE DEAFNESS 3. Identifiers: Orphanet 90636, MedGen C1838263, MONDO:0010860, OMIM 600316.

Submission:

Institute of Rare Diseases, West China Hospital, Sichuan University
Classification: Pathogenic for Autosomal recessive nonsyndromic hearing loss 3. Last evaluated: 2025-01-09. Review status: criteria provided, single submitter. Criteria: ClinGen HL ACMG Specifications v1. Collection method: research. Allele origin: germline. Affected: yes.
Comment: PVS1;PM3_Supporting;PM2_Supporting